The following is an entry in ClinVar:

ClinVar aggregate classification (germline): Uncertain significance (1 of 4 stars; one submission).

Conditions:
TEAD1-related disorder. Also called: TEAD1-related condition.

Submission:

PreventionGenetics, part of Exact Sciences
Classification: Uncertain significance for TEAD1-related condition. Last evaluated: 2024-11-19. Review status: criteria provided, single submitter. Criteria: ACMG Guidelines, 2015. Collection method: clinical testing. Allele origin: germline.
Comment: The TEAD1 c.699+5G>C variant is predicted to interfere with splicing. To our knowledge, this variant has not been reported in the literature or in a large population database (gnomAD), indicating this variant is rare. This variant is predicted to abolish the GT donor site based on available splicing prediction programs (SpliceAI, Alamut Visual v1.6.1). However, the use of computer prediction programs is not equivalent to functional evidence. At this time, the clinical significance of this variant is uncertain due to the absence of conclusive functional and genetic evidence.

NM_021961.6(TEAD1):c.699+5G>C

Gene: TEAD1 (TEA domain transcription factor 1; plus strand). Cytogenetic location: 11p15.3.
Variant type: single nucleotide variant.
Coding change: c.699+5G>C on transcript NM_021961.6 (MANE Select); 5 bases into the intron after coding-DNA position 699, G replaced by C.
Molecular consequence: intron variant.
Genome position (GRCh38, 1-based): chr11:12,883,130, G>C. VCF-style: chr11-12883130-G-C. GRCh37 (hg19) VCF-style: chr11-12904677-G-C.
Identifiers: ClinVar variation 2635459 (VCV002635459.2), dbSNP rs2494613291, ClinGen allele CA2695201079.
Genomic context (GRCh38, chr11:12,883,130, plus strand): 5'-AGCTTCGCCTGGTGGAATTTTCAGCTTTTCTCGAGCAGCAGCGAGACCCAGACTCGGTGA[G>C]TGTGCCCAGAGAGGTGTGTCTTGAATCCAGGATTTCTTTCCCTTTACTGTTTACCTCCTT-3'